The following is an entry in ClinVar:

NM_032539.5(SLITRK2):c.1311G>T (p.Val437=)

Gene: SLITRK2 (SLIT and NTRK like family member 2; plus strand). Cytogenetic location: Xq27.3.
Variant type: single nucleotide variant.
Coding change: c.1311G>T on transcript NM_032539.5 (MANE Select); coding-DNA position 1311, G replaced by T.
Protein change: p.Val437=; no amino-acid change (valine 437 retained).
Molecular consequence: synonymous variant.
Genome position (GRCh38, 1-based): chrX:145,823,736, G>T. VCF-style: chrX-145823736-G-T. GRCh37 (hg19) VCF-style: chrX-144905254-G-T.
Other names: c.1311G>T, p.Val437= (NM_001144003.3, NM_001144004.3, NM_001144005.3 and 4 more transcripts).
Identifiers: ClinVar variation 2661584 (VCV002661584.24), dbSNP rs2073067718, ClinGen allele CA519172343.
Genomic context (GRCh38, chrX:145,823,736, plus strand): 5'-TGCCTTTACAAACCTGACCAGTTTACGCAGACTTTATCTGAATGGCAATTACCTTGAAGT[G>T]CTGTACCCTTCTATGTTTGATGGACTGCAGAGCTTGCAATATCTCTATTTAGAGTATAAT-3'
Protein context (NP_115928.1, residues 427-447): RLYLNGNYLE[Val437=]LYPSMFDGLQ

ClinVar aggregate classification (germline): Likely benign (1 of 4 stars; one submission).

Allele frequency attached by ClinVar (database versions not stated): TOPMed 0.00001.

Submission:

CeGaT Center for Human Genetics Tuebingen
Classification: Likely benign. Last evaluated: 2022-08-01. Review status: criteria provided, single submitter. Criteria: CeGaT Center For Human Genetics Tuebingen Variant Classification Criteria Version 2. Collection method: clinical testing. Allele origin: germline. Affected: yes. Observed: 1 variant allele.
Comment: SLITRK2: PM2:Supporting, BP4, BP7